The following is an entry in ClinVar:

ClinVar aggregate classification (germline): Likely pathogenic (1 of 4 stars; one submission).

Conditions:
Nizon-Isidor syndrome. Identifiers: MedGen C5394350, MONDO:0030030, OMIM 618872.

Submission:

Center for Human Genetics and Genomic Medicine, Uniklinik Rwth Aachen
Classification: Likely pathogenic for Nizon-Isidor syndrome. Last evaluated: 2021-07-12. Review status: criteria provided, single submitter. Criteria: ACMG Guidelines, 2015. Collection method: clinical testing. Allele origin: unknown. Observed: 1 variant allele, 1 heterozygote.
Comment: The detected variant is absent from databases and has not yet been reported in the literature. However, according to current knowledge, nonsense variants in MED12L are likely pathogenic (Nizon et al., 2019).

Literature cited by the submitters: PubMed 31155615.

NM_001393769.1(MED12L):c.4009G>T (p.Glu1337Ter)

Genes: MED12L (mediator complex subunit 12L; plus strand), P2RY12 (purinergic receptor P2Y12; minus strand). Cytogenetic location: 3q25.1.
Variant type: single nucleotide variant.
Coding change: c.4009G>T on transcript NM_001393769.1 (MANE Select); coding-DNA position 4009, G replaced by T.
Protein change: p.Glu1337Ter; replaces glutamic acid 1337 with a stop codon.
Molecular consequence: nonsense. On other transcripts: intron variant (1).
Genome position (GRCh38, 1-based): chr3:151,376,170, G>T. VCF-style: chr3-151376170-G-T. GRCh37 (hg19) VCF-style: chr3-151093958-G-T.
Other names: c.3904G>T, p.Glu1302Ter (NM_053002.6); c.-180+8522C>A (NM_022788.5); short protein forms E1302*, E1337*.
Identifiers: ClinVar variation 1180497 (VCV001180497.3), dbSNP rs878982061, ClinGen allele CA354972277.